The following is an entry in ClinVar:

GRCh38/hg38 10q23.1(chr10:82794503-84537954)x3

Genes: CCSER2 (coiled-coil serine rich protein 2; plus strand), CDHR1 (cadherin related family member 1; plus strand), CERNA2 (competing endogenous lncRNA 2 for microRNA let-7b; minus strand), GHITM (growth hormone inducible transmembrane protein; plus strand), GPR15LG (G protein-coupled receptor 15 ligand; plus strand) and 27 more. Cytogenetic location: 10q23.1.
Variant type: copy number gain.
Change: copy number 3 (three copies instead of two) of chr10:82,794,503-84,537,954 (1.74 Mb, GRCh38 coordinates, 1-based), cytogenetic band 10q23.1.
Identifiers: ClinVar variation 57890 (VCV000057890.2).

ClinVar aggregate classification (germline): Uncertain significance (1 of 4 stars; one submission).

Submission:

ISCA Site 6
Classification: Uncertain significance. Last evaluated: 2011-08-12. Review status: criteria provided, single submitter. Criteria: Kaminsky et al. (Genet Med. 2011). Collection method: clinical testing. Allele origin: maternal. Affected: yes. Observed: 1 variant allele.
Comment: Copy number variation identified through the course of routine clinical cytogenomic testing in postnatal populations. Clinical assertions have been curated as described in Kaminsky et al. 2011.